The following is an entry in ClinVar:

ClinVar aggregate classification (germline): Uncertain significance (1 of 4 stars; one submission).

Conditions:
Multiple endocrine neoplasia, type 2 (MEN2). Identifiers: Orphanet 653, MedGen C4048306, MONDO:0019003. Disease mechanism: gain of function.

Allele frequency attached by ClinVar (database versions not stated): ExAC 0.00001.
gnomAD v4.1: 1 of 1,613,710 alleles (0.000062%); highest among the groups gnomAD compares: South Asian, 0.0011%; no homozygotes.

Submission:

Labcorp Genetics (formerly Invitae), Labcorp
Classification: Uncertain significance for Multiple endocrine neoplasia, type 2. Last evaluated: 2023-05-28. Review status: criteria provided, single submitter. Criteria: Invitae Variant Classification Sherloc (09022015). Collection method: clinical testing. Allele origin: germline.
Comment: In summary, the available evidence is currently insufficient to determine the role of this variant in disease. Therefore, it has been classified as a Variant of Uncertain Significance. An algorithm developed to predict the effect of missense changes on protein structure and function (PolyPhen-2) suggests that this variant is likely to be tolerated. This variant has not been reported in the literature in individuals affected with RET-related conditions. This variant is present in population databases (rs754912942, gnomAD 0.003%). This sequence change replaces asparagine, which is neutral and polar, with lysine, which is basic and polar, at codon 84 of the RET protein (p.Asn84Lys).

NM_020975.6(RET):c.252C>G (p.Asn84Lys)

Gene: RET (ret proto-oncogene; plus strand). Cytogenetic location: 10q11.21.
Variant type: single nucleotide variant.
Coding change: c.252C>G on transcript NM_020975.6 (MANE Select); coding-DNA position 252, C replaced by G.
Protein change: p.Asn84Lys; replaces asparagine 84 with lysine.
Molecular consequence: missense variant. On other transcripts: intron variant (4).
Genome position (GRCh38, 1-based): chr10:43,100,637, C>G. VCF-style: chr10-43100637-C-G. GRCh37 (hg19) VCF-style: chr10-43596085-C-G.
Other names: c.252C>G, p.Asn84Lys (NM_001406787.1, NM_001406788.1, NM_001406789.1 and 34 more transcripts); c.74-8394C>G (NM_001406784.1); c.74-11462C>G (NM_001406794.1, NM_001406792.1, NM_001406793.1); short protein forms N84K.
Identifiers: ClinVar variation 2744330 (VCV002744330.3), dbSNP rs754912942, ClinGen allele CA039590.
Genomic context (GRCh38, chr10:43,100,637, plus strand): 5'-CAGCTTCCGCCTGGGCCAGCATCTCTACGGCACGTACCGCACACGGCTGCATGAGAACAA[C>G]TGGATCTGCATCCAGGAGGACACCGGCCTCCTCTACCTTAACCGGAGCCTGGACCATAGC-3'
Protein context (NP_066124.1, residues 74-94): GTYRTRLHEN[Asn84Lys]WICIQEDTGL